The following is an entry in ClinVar:

NM_001384474.1(LOXHD1):c.5895del (p.Trp1965fs)

Gene: LOXHD1 (lipoxygenase homology PLAT domains 1; minus strand). Cytogenetic location: 18q21.1.
Variant type: Deletion.
Coding change: c.5895del on transcript NM_001384474.1 (MANE Select); coding-DNA position 5895, one base deleted (G; older notation c.5895delG).
Protein change: p.Trp1965fs; shifts the reading frame from tryptophan 1965.
Molecular consequence: frameshift variant.
Genome position (GRCh38, 1-based): chr18:46,489,126, C deleted on the plus strand (G on the coding strand, the reverse complement: LOXHD1 is on the minus strand); the first of 2 consecutive C bases (chr18:46,489,126-46,489,127); deleting either gives the same sequence. VCF-style (leftmost placement, unchanged base first): chr18-46489125-GC-G. GRCh37 (hg19) VCF-style: chr18-44069088-GC-G.
Other names: c.2562del, p.Trp854fs (NM_001145472.3); c.612del, p.Trp204fs (NM_001145473.3, NM_001173129.2); c.2274del, p.Trp758fs (NM_001308013.2); c.5709del, p.Trp1903fs (NM_144612.7); short protein forms W1903fs, W1965fs, W204fs, W758fs, W854fs.
Identifiers: ClinVar variation 5011268 (VCV005011268.1).
Genomic context (GRCh38, chr18:46,489,125, plus strand): 5'-CACACTGGAAGTGGAAGGTCTCGTCGCGGGAGTTGTCCTTCACATCGACATAGCTCAGAT[GC>G]CAGCCAGGAAATATCCCTGTGGAAAAGACACCATGGGGGTTGGAAGCTGGATGTGCCTTC-3'

ClinVar aggregate classification (germline): Pathogenic (1 of 4 stars; one submission).

Conditions:
Autosomal recessive nonsyndromic hearing loss 77. Identifiers: Orphanet 90636, MedGen C2746083, MONDO:0013119, OMIM 613079.

Submission:

Myriad Genetics, Inc.
Classification: Pathogenic for Autosomal recessive nonsyndromic hearing loss 77. Last evaluated: 2023-08-08. Review status: criteria provided, single submitter. Criteria: Myriad Autosomal Dominant, Autosomal Recessive and X-Linked Classification Criteria (2023). Collection method: clinical testing. Allele origin: unknown.
Comment: NM_144612.6(LOXHD1):c.5709delG(W1903Cfs*3) is expected to be pathogenic in the context of nonsyndromic hearing loss, LOXHD1-related. This variant is predicted to lead to an abnormal or absent protein product due to the creation of a premature termination codon in LOXHD1, a gene where loss-of-function variants are known to be pathogenic. Please note: this variant was assessed in the context of healthy population screening.